The following is an entry in ClinVar:

ClinVar aggregate classification (germline): Uncertain significance (1 of 4 stars; one submission).

Conditions:
Peroxisome biogenesis disorder, complementation group 7 (CG7). Also called: Peroxisome biogenesis disorder, complementation group B. Identifiers: MedGen C1864399.

Allele frequency attached by ClinVar (database versions not stated): gnomAD exomes below 0.00001.
gnomAD v4.1: 1 of 1,613,320 alleles (0.000062%); highest among the groups gnomAD compares: Non-Finnish European, 0.000085%; no homozygotes.

Submission:

Labcorp Genetics (formerly Invitae), Labcorp
Classification: Uncertain significance for Peroxisome biogenesis disorder, complementation group 7. Last evaluated: 2022-02-08. Review status: criteria provided, single submitter. Criteria: Invitae Variant Classification Sherloc (09022015). Collection method: clinical testing. Allele origin: germline.
Comment: In summary, the available evidence is currently insufficient to determine the role of this variant in disease. Therefore, it has been classified as a Variant of Uncertain Significance. Algorithms developed to predict the effect of missense changes on protein structure and function are either unavailable or do not agree on the potential impact of this missense change (SIFT: "Tolerated"; PolyPhen-2: "Probably Damaging"; Align-GVGD: "Class C0"). This variant has not been reported in the literature in individuals affected with PEX10-related conditions. This variant is not present in population databases (gnomAD no frequency). This sequence change replaces arginine, which is basic and polar, with glycine, which is neutral and non-polar, at codon 301 of the PEX10 protein (p.Arg301Gly).

NM_002617.4(PEX10):c.841A>G (p.Arg281Gly)

Gene: PEX10 (peroxisomal biogenesis factor 10; minus strand). Cytogenetic location: 1p36.32.
Variant type: single nucleotide variant.
Coding change: c.841A>G on transcript NM_002617.4 (MANE Select); coding-DNA position 841, A replaced by G.
Protein change: p.Arg281Gly; replaces arginine 281 with glycine.
Molecular consequence: missense variant. On other transcripts: non-coding transcript variant (1).
Genome position (GRCh38, 1-based): chr1:2,406,555, T>C on the plus strand (A>G on the coding strand, the complement: PEX10 is on the minus strand). VCF-style: chr1-2406555-T-C. GRCh37 (hg19) VCF-style: chr1-2337994-T-C.
Other names: c.898A>G, p.Arg300Gly (NM_001374425.1); c.466A>G, p.Arg156Gly (NM_001374426.1); c.409A>G, p.Arg137Gly (NM_001374427.1); c.901A>G, p.Arg301Gly (NM_153818.2); short protein forms R300G, R301G, R281G, R137G, R156G.
Identifiers: ClinVar variation 1411413 (VCV001411413.6), dbSNP rs2100421628, ClinGen allele CA337984376.
Genomic context (GRCh38, chr1:2,406,555, plus strand): 5'-ACCACGCGGTGATGCACTCCCAGCAGAACAGGTGGCCGCAGGGCGTGGCTGTTGGGTGCC[T>C]GCGCTCCTCCAGGCACAGGGTGCACAGGGGGTTTCTGGAAACGGCTCTCTCCTCCAAGGA-3'
Protein context (NP_002608.1, residues 271-291): PLCTLCLEER[Arg281Gly]HPTATPCGHL